The following is an entry in ClinVar:

NM_020549.5(CHAT):c.895C>T (p.Pro299Ser)

Gene: CHAT (choline O-acetyltransferase; plus strand). Cytogenetic location: 10q11.23.
Variant type: single nucleotide variant.
Coding change: c.895C>T on transcript NM_020549.5 (MANE Select); coding-DNA position 895, C replaced by T.
Protein change: p.Pro299Ser; replaces proline 299 with serine.
Molecular consequence: missense variant.
Genome position (GRCh38, 1-based): chr10:49,625,615, C>T. VCF-style: chr10-49625615-C-T. GRCh37 (hg19) VCF-style: chr10-50833661-C-T.
Other names: c.541C>T, p.Pro181Ser (NM_001142929.2, NM_001142934.2, NM_020984.4 and 2 more transcripts); c.649C>T, p.Pro217Ser (NM_001142933.2); short protein forms P181S, P299S, P217S.
Identifiers: ClinVar variation 2139805 (VCV002139805.1), dbSNP rs540899575, ClinGen allele CA5497290.

ClinVar aggregate classification (germline): Uncertain significance (1 of 4 stars; one submission).

Conditions:
Familial infantile myasthenia (CMS6). Also called: MYASTHENIC SYNDROME, PRESYNAPTIC, CONGENITAL, ASSOCIATED WITH EPISODIC APNEA; MYASTHENIC SYNDROME, CONGENITAL, 6, PRESYNAPTIC; Congenital myasthenic syndrome type 6. Identifiers: Orphanet 590, MedGen C0393929, MONDO:0009689, OMIM 254210.

Allele frequency attached by ClinVar (database versions not stated): gnomAD 0.00001; gnomAD exomes 0.00001; ExAC 0.00002; 1000 Genomes Project 30x 0.00016; 1000 Genomes Project 0.00020.
gnomAD v4.1: 12 of 1,595,522 alleles (0.00075%); highest among the groups gnomAD compares: South Asian, 0.014%; 1 homozygote.

Submission:

Labcorp Genetics (formerly Invitae), Labcorp
Classification: Uncertain significance for Familial infantile myasthenia. Last evaluated: 2022-06-17. Review status: criteria provided, single submitter. Criteria: Invitae Variant Classification Sherloc (09022015). Collection method: clinical testing. Allele origin: germline.
Comment: This sequence change replaces proline, which is neutral and non-polar, with serine, which is neutral and polar, at codon 299 of the CHAT protein (p.Pro299Ser). The frequency data for this variant in the population databases is considered unreliable, as metrics indicate poor data quality at this position in the gnomAD database. This variant has not been reported in the literature in individuals affected with CHAT-related conditions. Advanced modeling of protein sequence and biophysical properties (such as structural, functional, and spatial information, amino acid conservation, physicochemical variation, residue mobility, and thermodynamic stability) performed at Invitae indicates that this missense variant is not expected to disrupt CHAT protein function. In summary, the available evidence is currently insufficient to determine the role of this variant in disease. Therefore, it has been classified as a Variant of Uncertain Significance.